The following is an entry in ClinVar:

ClinVar aggregate classification (germline): Pathogenic (1 of 4 stars; one submission).

Conditions:
Primary ciliary dyskinesia. Also called: Ciliary dyskinesia. Identifiers: Orphanet 244, MedGen C0008780, MONDO:0016575, HP:0012265.

gnomAD v4.1: 1 of 1,608,332 alleles (0.000062%); highest among the groups gnomAD compares: East Asian, 0.0022%; no homozygotes.

Submission:

Labcorp Genetics (formerly Invitae), Labcorp
Classification: Pathogenic for Primary ciliary dyskinesia. Last evaluated: 2023-06-12. Review status: criteria provided, single submitter. Criteria: Invitae Variant Classification Sherloc (09022015). Collection method: clinical testing. Allele origin: germline.
Comment: For these reasons, this variant has been classified as Pathogenic. This sequence change creates a premature translational stop signal (p.Gln177*) in the CCDC39 gene. It is expected to result in an absent or disrupted protein product. Loss-of-function variants in CCDC39 are known to be pathogenic (PMID: 21131972, 23255504). This variant is not present in population databases (gnomAD no frequency). This variant has not been reported in the literature in individuals affected with CCDC39-related conditions. Algorithms developed to predict the effect of sequence changes on RNA splicing suggest that this variant may disrupt the consensus splice site.

Literature cited by the submitters: PubMed 21131972; PubMed 23255504.

NM_181426.2(CCDC39):c.529C>T (p.Gln177Ter)

Gene: CCDC39 (coiled-coil domain 39 molecular ruler complex subunit; minus strand). Cytogenetic location: 3q26.33.
Variant type: single nucleotide variant.
Coding change: c.529C>T on transcript NM_181426.2 (MANE Select); coding-DNA position 529, C replaced by T.
Protein change: p.Gln177Ter; replaces glutamine 177 with a stop codon.
Molecular consequence: nonsense.
Genome position (GRCh38, 1-based): chr3:180,659,757, G>A on the plus strand (C>T on the coding strand, the complement: CCDC39 is on the minus strand). VCF-style: chr3-180659757-G-A. GRCh37 (hg19) VCF-style: chr3-180377545-G-A.
Other names: short protein forms Q177*.
Identifiers: ClinVar variation 2712581 (VCV002712581.3), dbSNP rs1415205563, ClinGen allele CA355302874.
Genomic context (GRCh38, chr3:180,659,757, plus strand): 5'-TAAGTTCGTTGTCAAGTATCTTTCTTTTCTGATTACATTCCAAAGTTAGTCTTTCTAATT[G>A]CAGAGTCAGTGCCTATGATGTAATTATATACAGATACTTATAATTCTCATTCTATTAATT-3'